The following is an entry in ClinVar:

ClinVar aggregate classification (germline): Uncertain significance (1 of 4 stars; one submission).

Conditions:
CPLX1-related disorder. Also called: CPLX1-related condition.

Submission:

PreventionGenetics, part of Exact Sciences
Classification: Uncertain significance for CPLX1-related condition. Last evaluated: 2026-06-11. Review status: criteria provided, single submitter. Criteria: ACMG Guidelines, 2015. Collection method: clinical testing. Allele origin: germline.
Comment: The CPLX1 c.143_144delinsCT variant is predicted to result in an in-frame deletion and insertion. To our knowledge, this variant has not been reported in the literature or in a large population database (gnomAD), indicating this variant is rare. At this time, the clinical significance of this variant is uncertain due to the absence of conclusive functional and genetic evidence.

NM_006651.4(CPLX1):c.143_144delinsCT (p.Arg48Pro)

Genes: CPLX1 (complexin 1; minus strand), CPLX1-AS1 (CPLX1 antisense RNA 1; plus strand). Cytogenetic location: 4p16.3.
Variant type: Indel.
Coding change: c.143_144delinsCT on transcript NM_006651.4 (MANE Select); coding-DNA positions 143 to 144, GC replaced by CT.
Protein change: p.Arg48Pro; replaces arginine 48 with proline.
Molecular consequence: missense variant.
Genome position (GRCh38, 1-based): chr4:792,496-792,497, GC replaced by AG on the plus strand (GC replaced by CT on the coding strand, the reverse complement: CPLX1 is on the minus strand). VCF-style: chr4-792496-GC-AG. GRCh37 (hg19) VCF-style: chr4-786284-GC-AG.
Other names: short protein forms R48P.
Identifiers: ClinVar variation 4995451 (VCV004995451.1).